The following is an entry in ClinVar:

NM_000553.6(WRN):c.3433A>C (p.Ile1145Leu)

Gene: WRN (WRN RecQ like helicase; plus strand). Cytogenetic location: 8p12.
Variant type: single nucleotide variant.
Coding change: c.3433A>C on transcript NM_000553.6 (MANE Select); coding-DNA position 3433, A replaced by C.
Protein change: p.Ile1145Leu; replaces isoleucine 1145 with leucine.
Molecular consequence: missense variant.
Genome position (GRCh38, 1-based): chr8:31,147,102, A>C. VCF-style: chr8-31147102-A-C. GRCh37 (hg19) VCF-style: chr8-31004618-A-C.
Other names: short protein forms I1145L.
Identifiers: ClinVar variation 1518197 (VCV001518197.6), dbSNP rs756835995, ClinGen allele CA4705059.

ClinVar aggregate classification (germline): Uncertain significance (1 of 4 stars; one submission).

Conditions:
Werner syndrome (WRN). Identifiers: Orphanet 902, MedGen C0043119, MONDO:0010196, OMIM 277700.

Allele frequency attached by ClinVar (database versions not stated): gnomAD exomes below 0.00001; ExAC 0.00001.
gnomAD v4.1: 1 of 1,613,924 alleles (0.000062%); highest among the groups gnomAD compares: Non-Finnish European, 0.000085%; no homozygotes.

Submission:

Labcorp Genetics (formerly Invitae), Labcorp
Classification: Uncertain significance for Werner syndrome. Last evaluated: 2021-01-21. Review status: criteria provided, single submitter. Criteria: Invitae Variant Classification Sherloc (09022015). Collection method: clinical testing. Allele origin: germline.
Comment: This variant has not been reported in the literature in individuals with WRN-related conditions. In summary, the available evidence is currently insufficient to determine the role of this variant in disease. Therefore, it has been classified as a Variant of Uncertain Significance. Algorithms developed to predict the effect of missense changes on protein structure and function output the following: SIFT: "Not Available"; PolyPhen-2: "Benign"; Align-GVGD: "Not Available". The leucine amino acid residue is found in multiple mammalian species, suggesting that this missense change does not adversely affect protein function. These predictions have not been confirmed by published functional studies and their clinical significance is uncertain. This variant is present in population databases (rs756835995, ExAC 0.002%). This sequence change replaces isoleucine with leucine at codon 1145 of the WRN protein (p.Ile1145Leu). The isoleucine residue is moderately conserved and there is a small physicochemical difference between isoleucine and leucine.